The following is an entry in ClinVar:

NM_015338.6(ASXL1):c.2153G>C (p.Arg718Thr)

Gene: ASXL1 (ASXL transcriptional regulator 1; plus strand). Cytogenetic location: 20q11.21.
Variant type: single nucleotide variant.
Coding change: c.2153G>C on transcript NM_015338.6 (MANE Select); coding-DNA position 2153, G replaced by C.
Protein change: p.Arg718Thr; replaces arginine 718 with threonine.
Molecular consequence: missense variant.
Genome position (GRCh38, 1-based): chr20:32,434,865, G>C. VCF-style: chr20-32434865-G-C. GRCh37 (hg19) VCF-style: chr20-31022668-G-C.
Other names: c.1970G>C, p.Arg657Thr (NM_001363734.1); short protein forms R657T, R718T.
Identifiers: ClinVar variation 3680641 (VCV003680641.3).
Genomic context (GRCh38, chr20:32,434,865, plus strand): 5'-CGCCTTATCCTCTAAATGGGGAGCATACCCAGGCCGGAACTGCCATGTCCAGAGCTAGGA[G>C]AGAGGACCTGCCTTCTCTGAGAAAGGAGGAAAGCTGCCTACTACAGAGGGCTACAGTTGG-3'
Protein context (NP_056153.2, residues 708-728): QAGTAMSRAR[Arg718Thr]EDLPSLRKEE

ClinVar aggregate classification (germline): Uncertain significance. Review status: criteria provided, multiple submitters, no conflicts (2 of 4 stars). 2 submissions from 2 submitters: Uncertain significance (2). Last evaluated 2025-12-07.

Conditions:
Inborn genetic diseases. Identifiers: MedGen C0950123, MeSH D030342.

Submissions (2):

Ambry Genetics
Classification: Uncertain significance for Inborn genetic diseases. Last evaluated: 2025-12-07. Review status: criteria provided, single submitter. Criteria: Ambry Variant Classification Scheme 2023. Collection method: clinical testing. Allele origin: germline.
Comment: The p.R718T variant (also known as c.2153G>C), located in coding exon 13 of the ASXL1 gene, results from a G to C substitution at nucleotide position 2153. The arginine at codon 718 is replaced by threonine, an amino acid with similar properties. This amino acid position is conserved. In addition, this alteration is predicted to be tolerated by in silico analysis. Based on the available evidence, the clinical significance of this variant remains unclear.

Labcorp Genetics (formerly Invitae), Labcorp
Classification: Uncertain significance. Last evaluated: 2024-08-05. Review status: criteria provided, single submitter. Criteria: Invitae Variant Classification Sherloc (09022015). Collection method: clinical testing. Allele origin: germline.
Comment: This sequence change replaces arginine, which is basic and polar, with threonine, which is neutral and polar, at codon 718 of the ASXL1 protein (p.Arg718Thr). This variant is not present in population databases (gnomAD no frequency). This variant has not been reported in the literature in individuals affected with ASXL1-related conditions. An algorithm developed to predict the effect of missense changes on protein structure and function outputs the following: PolyPhen-2: "Benign". The threonine amino acid residue is found in multiple mammalian species, which suggests that this missense change does not adversely affect protein function. In summary, the available evidence is currently insufficient to determine the role of this variant in disease. Therefore, it has been classified as a Variant of Uncertain Significance.